The following is an entry in ClinVar:

ClinVar aggregate classification (germline): Likely benign (1 of 4 stars; one submission).

Conditions:
HOXA4-related disorder. Also called: HOXA4-related condition.

Submission:

PreventionGenetics, part of Exact Sciences
Classification: Likely benign for HOXA4-related condition. Last evaluated: 2025-08-21. Review status: criteria provided, single submitter. Criteria: ACMG Guidelines, 2015. Collection method: clinical testing. Allele origin: germline.
Comment: This variant is classified as likely benign based on ACMG/AMP sequence variant interpretation guidelines (Richards et al. 2015 PMID: 25741868, with internal and published modifications).

NM_002141.5(HOXA4):c.261C>A (p.Ala87=)

Genes: HOXA3 (homeobox A3; minus strand), HOXA4 (homeobox A4; minus strand). Cytogenetic location: 7p15.2.
Variant type: single nucleotide variant.
Coding change: c.261C>A on transcript NM_002141.5 (MANE Select); coding-DNA position 261, C replaced by A.
Protein change: p.Ala87=; no amino-acid change (alanine 87 retained).
Molecular consequence: synonymous variant. On other transcripts: intron variant (7).
Genome position (GRCh38, 1-based): chr7:27,130,473, G>T on the plus strand (C>A on the coding strand, the complement: HOXA4 is on the minus strand). VCF-style: chr7-27130473-G-T. GRCh37 (hg19) VCF-style: chr7-27170092-G-T.
Other names: c.-389-3403C>A (NM_153631.3, NM_001384340.1); c.-505-3403C>A (NM_001384335.1, NM_001384339.1); c.-204-7831C>A (NM_001384336.1, NM_001384338.1); c.-677-3403C>A (NM_001384337.1).
Identifiers: ClinVar variation 4981747 (VCV004981747.1).